The following is an entry in ClinVar:

NM_012418.4(FSCN2):c.1267A>T (p.Ile423Phe)

Gene: FSCN2 (fascin actin-bundling protein 2, retinal; plus strand). Cytogenetic location: 17q25.3.
Variant type: single nucleotide variant.
Coding change: c.1267A>T on transcript NM_012418.4 (MANE Select); coding-DNA position 1267, A replaced by T.
Protein change: p.Ile423Phe; replaces isoleucine 423 with phenylalanine.
Molecular consequence: missense variant.
Genome position (GRCh38, 1-based): chr17:81,536,783, A>T. VCF-style: chr17-81536783-A-T. GRCh37 (hg19) VCF-style: chr17-79503809-A-T.
Other names: c.1339A>T, p.Ile447Phe (NM_001077182.3); short protein forms I447F, I423F.
Identifiers: ClinVar variation 1386210 (VCV001386210.6), dbSNP rs909433828, ClinGen allele CA295085498.

ClinVar aggregate classification (germline): Uncertain significance (1 of 4 stars; one submission).

Allele frequency attached by ClinVar (database versions not stated): gnomAD exomes below 0.00001 and 0.00001.
gnomAD v4.1: 4 of 1,593,200 alleles (0.00025%); highest among the groups gnomAD compares: African/African-American, 0.0054%; no homozygotes.

Submission:

Labcorp Genetics (formerly Invitae), Labcorp
Classification: Uncertain significance. Last evaluated: 2022-11-01. Review status: criteria provided, single submitter. Criteria: Invitae Variant Classification Sherloc (09022015). Collection method: clinical testing. Allele origin: germline.
Comment: In summary, the available evidence is currently insufficient to determine the role of this variant in disease. Therefore, it has been classified as a Variant of Uncertain Significance. Algorithms developed to predict the effect of missense changes on protein structure and function are either unavailable or do not agree on the potential impact of this missense change (SIFT: "Deleterious"; PolyPhen-2: "Possibly Damaging"; Align-GVGD: "Class C0"). ClinVar contains an entry for this variant (Variation ID: 1386210). This variant has not been reported in the literature in individuals affected with FSCN2-related conditions. This variant is present in population databases (no rsID available, gnomAD 0.02%). This sequence change replaces isoleucine, which is neutral and non-polar, with phenylalanine, which is neutral and non-polar, at codon 447 of the FSCN2 protein (p.Ile447Phe).